The following is an entry in ClinVar:

NM_170707.4(LMNA):c.866A>C (p.His289Pro)

Gene: LMNA (lamin A/C; plus strand). Cytogenetic location: 1q22.
Variant type: single nucleotide variant.
Coding change: c.866A>C on transcript NM_170707.4 (MANE Select); coding-DNA position 866, A replaced by C.
Protein change: p.His289Pro; replaces histidine 289 with proline.
Molecular consequence: missense variant.
Genome position (GRCh38, 1-based): chr1:156,135,242, A>C. VCF-style: chr1-156135242-A-C. GRCh37 (hg19) VCF-style: chr1-156105033-A-C.
Other names: c.530A>C, p.His177Pro (NM_001257374.3); c.623A>C, p.His208Pro (NM_001282624.2); c.866A>C, p.His289Pro (NM_001282625.2, NM_001282626.2, NM_005572.4 and 1 more transcripts); short protein forms H289P, H208P, H177P.
Identifiers: ClinVar variation 598133 (VCV000598133.13), dbSNP rs1558130062, ClinGen allele CA342817658.

ClinVar aggregate classification (germline): Uncertain significance. Review status: criteria provided, multiple submitters, no conflicts (2 of 4 stars). 2 submissions from 2 submitters: Uncertain significance (2). Last evaluated 2022-08-16.

Conditions:
Charcot-Marie-Tooth disease type 2. Also called: Charcot-Marie-Tooth type 2. Identifiers: Orphanet 64746, MedGen C0270914, MONDO:0018993.

Submissions (2):

Labcorp Genetics (formerly Invitae), Labcorp
Classification: Uncertain significance for Charcot-Marie-Tooth disease type 2. Last evaluated: 2022-08-16. Review status: criteria provided, single submitter. Criteria: Invitae Variant Classification Sherloc (09022015). Collection method: clinical testing. Allele origin: germline.
Comment: In summary, the available evidence is currently insufficient to determine the role of this variant in disease. Therefore, it has been classified as a Variant of Uncertain Significance. Algorithms developed to predict the effect of missense changes on protein structure and function are either unavailable or do not agree on the potential impact of this missense change (SIFT: "Deleterious"; PolyPhen-2: "Benign"; Align-GVGD: "Class C25"). ClinVar contains an entry for this variant (Variation ID: 598133). This variant has not been reported in the literature in individuals affected with LMNA-related conditions. This variant is not present in population databases (gnomAD no frequency). This sequence change replaces histidine, which is basic and polar, with proline, which is neutral and non-polar, at codon 289 of the LMNA protein (p.His289Pro).

Eurofins Ntd Llc (ga)
Classification: Uncertain significance. Last evaluated: 2018-07-24. Review status: criteria provided, single submitter. Criteria: EGL ClinVar v180209 classification definitions. Collection method: clinical testing. Allele origin: germline. Observed: 1 variant allele, 1 heterozygote.